The following is an entry in ClinVar:

NM_001377.3(DYNC2H1):c.9353+7G>A

Gene: DYNC2H1 (dynein cytoplasmic 2 heavy chain 1; plus strand). Cytogenetic location: 11q22.3.
Variant type: single nucleotide variant.
Coding change: c.9353+7G>A on transcript NM_001377.3 (MANE Select); 7 bases into the intron after coding-DNA position 9353, G replaced by A.
Molecular consequence: intron variant.
Genome position (GRCh38, 1-based): chr11:103,223,093, G>A. VCF-style: chr11-103223093-G-A. GRCh37 (hg19) VCF-style: chr11-103093822-G-A.
Other names: p.?; c.9353+7G>A (NM_001080463.2).
Identifiers: ClinVar variation 302080 (VCV000302080.33), dbSNP rs78309870, ClinGen allele CA6254663.

ClinVar aggregate classification (germline): Benign/Likely benign. Review status: criteria provided, multiple submitters, no conflicts (2 of 4 stars). 8 submissions from 8 submitters: Benign (5); Likely benign (1). 2 of the submissions do not count toward it. Last evaluated 2026-02-02.

Conditions:
Asphyxiating thoracic dystrophy 3. Also called: SHORT-RIB THORACIC DYSPLASIA 3 WITH OR WITHOUT POLYDACTYLY; POLYDACTYLY WITH NEONATAL CHONDRODYSTROPHY, TYPE I; SHORT-RIB THORACIC DYSPLASIA 3/6 WITH POLYDACTYLY, DIGENIC; Short rib polydactyly syndrome 2B; Saldino-Noonan Syndrome. Identifiers: Orphanet 474, Orphanet 93269, Orphanet 93270, Orphanet 93271, MedGen C0036069, MONDO:0013127, OMIM 613091.
Jeune thoracic dystrophy. Also called: Short-rib thoracic dysplasia; Jeune syndrome; Infantile thoracic dystrophy; Thoracic pelvic phalangeal dystrophy; Jeune's syndrome; Chondroectodermal dysplasia-like syndrome. Identifiers: Orphanet 474, MedGen C0265275, MONDO:0018770.

Allele frequency attached by ClinVar (database versions not stated): gnomAD exomes 0.00296 and 0.00748; ExAC 0.01181; ESP Exome Variant Server 0.02595; gnomAD 0.02666 and 0.02821; TOPMed 0.03030; 1000 Genomes Project 0.03335; 1000 Genomes Project 30x 0.03373.
gnomAD v4.1: 8,572 of 1,593,974 alleles (0.54%); highest among the groups gnomAD compares: African/African-American, 9.1%; 332 homozygotes.

Submissions (8):

Labcorp Genetics (formerly Invitae), Labcorp
Classification: Benign for Jeune thoracic dystrophy. Last evaluated: 2026-02-02. Review status: criteria provided, single submitter. Criteria: Invitae Variant Classification Sherloc (09022015). Collection method: clinical testing. Allele origin: germline.

ARUP Laboratories, Molecular Genetics and Genomics, ARUP Laboratories
Classification: Benign for Asphyxiating thoracic dystrophy 3. Last evaluated: 2025-06-20. Review status: criteria provided, single submitter. Criteria: ARUP Molecular Germline Variant Investigation Process 2024. Collection method: clinical testing. Allele origin: germline.

Mayo Clinic Laboratories, Mayo Clinic
Classification: Benign. Last evaluated: 2023-04-10. Review status: criteria provided, single submitter. Criteria: ACMG Guidelines, 2015. Collection method: clinical testing. Allele origin: germline. Observed: 3 variant alleles.

Illumina Laboratory Services, Illumina
Classification: Benign for Asphyxiating thoracic dystrophy 3. Last evaluated: 2018-01-12. Review status: criteria provided, single submitter. Criteria: ICSL Variant Classification Criteria 13 December 2019. Collection method: clinical testing. Allele origin: germline.
Comment: This variant was observed in the ICSL laboratory as part of a predisposition screen in an ostensibly healthy population. It had not been previously curated by ICSL or reported in the Human Gene Mutation Database (HGMD: prior to June 1st, 2018), and was therefore a candidate for classification through an automated scoring system. Utilizing variant allele frequency, disease prevalence and penetrance estimates, and inheritance mode, an automated score was calculated to assess if this variant is too frequent to cause the disease. Based on the score and internal cut-off values, a variant classified as benign is not then subjected to further curation. The score for this variant resulted in a classification of benign for this disease.

GeneDx
Classification: Benign. Last evaluated: 2016-08-03. Review status: criteria provided, single submitter. Criteria: GeneDx Variant Classification (06012015). Collection method: clinical testing. Allele origin: germline. Affected: yes.
Comment: This variant is considered likely benign or benign based on one or more of the following criteria: it is a conservative change, it occurs at a poorly conserved position in the protein, it is predicted to be benign by multiple in silico algorithms, and/or has population frequency not consistent with disease.

Breakthrough Genomics
Classification: Likely benign. Review status: criteria provided, single submitter. Criteria: ACMG Guidelines, 2015. Collection method: not provided. Allele origin: germline. Inheritance: Autosomal recessive inheritance. Affected: yes.

Clinical Genetics DNA and cytogenetics Diagnostics Lab, Erasmus MC, Erasmus Medical Center
Classification: Benign. Review status: no assertion criteria provided. Collection method: clinical testing. Allele origin: germline. Affected: yes. Study: VKGL Data-share Consensus. Not counted in ClinVar's aggregate classification.

Laboratory of Diagnostic Genome Analysis, Leiden University Medical Center (LUMC)
Classification: Likely benign. Review status: no assertion criteria provided. Collection method: clinical testing. Allele origin: germline. Affected: yes. Study: VKGL Data-share Consensus. Not counted in ClinVar's aggregate classification.